The following is an entry in ClinVar:

ClinVar aggregate classification (germline): Pathogenic (1 of 4 stars; one submission).

Conditions:
Brachyolmia-amelogenesis imperfecta syndrome. Also called: PLATYSPONDYLY WITH AMELOGENESIS IMPERFECTA; Tooth agenesis, selective, 6; Dental anomalies and short stature. Identifiers: Orphanet 2899, MedGen C1832594, MONDO:0011018, OMIM 601216. Disease mechanism: loss of function.

Submission:

Labcorp Genetics (formerly Invitae), Labcorp
Classification: Pathogenic for Brachyolmia-amelogenesis imperfecta syndrome. Last evaluated: 2024-11-27. Review status: criteria provided, single submitter. Criteria: Invitae Variant Classification Sherloc (09022015). Collection method: clinical testing. Allele origin: germline.
Comment: This sequence change creates a premature translational stop signal (p.Pro374Leufs*14) in the LTBP3 gene. It is expected to result in an absent or disrupted protein product. Loss-of-function variants in LTBP3 are known to be pathogenic (PMID: 11790802, 19344874, 25669657). This variant is not present in population databases (gnomAD no frequency). This variant has not been reported in the literature in individuals affected with LTBP3-related conditions. For these reasons, this variant has been classified as Pathogenic.

Literature cited by the submitters: PubMed 11790802; PubMed 19344874; PubMed 25669657.

NM_001130144.3(LTBP3):c.1121del (p.Pro374fs)

Gene: LTBP3 (latent transforming growth factor beta binding protein 3; minus strand). Cytogenetic location: 11q13.1.
Variant type: Deletion.
Coding change: c.1121del on transcript NM_001130144.3 (MANE Select); coding-DNA position 1121, one base deleted (C; older notation c.1121delC).
Protein change: p.Pro374fs; shifts the reading frame from proline 374.
Molecular consequence: frameshift variant.
Genome position (GRCh38, 1-based): chr11:65,552,925, G deleted on the plus strand (C on the coding strand, the reverse complement: LTBP3 is on the minus strand); the first of 3 consecutive G bases (chr11:65,552,925-65,552,927); deleting any one gives the same sequence. VCF-style (leftmost placement, unchanged base first): chr11-65552924-AG-A. GRCh37 (hg19) VCF-style: chr11-65320395-AG-A.
Other names: c.770del, p.Pro257fs (NM_001164266.1); c.1121del, p.Pro374fs (NM_021070.4); short protein forms P257fs, P374fs.
Identifiers: ClinVar variation 3726148 (VCV003726148.2).